The following is an entry in ClinVar:

NM_001242896.3(DEPDC5):c.2633A>T (p.Lys878Met)

Gene: DEPDC5 (DEP domain containing 5, GATOR1 subcomplex subunit; plus strand). Cytogenetic location: 22q12.3.
Variant type: single nucleotide variant.
Coding change: c.2633A>T on transcript NM_001242896.3 (MANE Select); coding-DNA position 2633, A replaced by T.
Protein change: p.Lys878Met; replaces lysine 878 with methionine.
Molecular consequence: missense variant. On other transcripts: non-coding transcript variant (5).
Genome position (GRCh38, 1-based): chr22:31,843,212, A>T. VCF-style: chr22-31843212-A-T. GRCh37 (hg19) VCF-style: chr22-32239198-A-T.
Other names: c.2633A>T, p.Lys878Met (NM_001364318.2, NM_001364320.2, NM_001363852.2); c.2399A>T, p.Lys800Met (NM_001364319.2, NM_001363854.2, NM_001242897.2); c.2549A>T, p.Lys850Met (NM_001369901.1, NM_001369902.1); c.2606A>T, p.Lys869Met (NM_001369903.1, NM_014662.6, NM_001136029.4); short protein forms K800M, K850M, K869M, K878M.
Identifiers: ClinVar variation 3621220 (VCV003621220.2).
Genomic context (GRCh38, chr22:31,843,212, plus strand): 5'-GAACGTTCCACAAAGTGACGCTGAAGGATAAGATGATCACAGTGACGCGATACCTTCCCA[A>T]GTGAGTATTTGGATATTTAAAGTCTTCAGTTATTGTCCTGAATTATGGCCACATACTAAA-3'
Protein context (NP_001229825.1, residues 868-888): KMITVTRYLP[Lys878Met]YPYESAQIHY

ClinVar aggregate classification (germline): Uncertain significance (1 of 4 stars; one submission).

Conditions:
Familial focal epilepsy with variable foci (FPEVF). Identifiers: Orphanet 98820, MedGen C1858477, MONDO:0020310.

Submission:

Labcorp Genetics (formerly Invitae), Labcorp
Classification: Uncertain significance for Familial focal epilepsy with variable foci. Last evaluated: 2025-11-13. Review status: criteria provided, single submitter. Criteria: Invitae Variant Classification Sherloc (09022015). Collection method: clinical testing. Allele origin: germline.
Comment: This sequence change replaces lysine, which is basic and polar, with methionine, which is neutral and non-polar, at codon 878 of the DEPDC5 protein (p.Lys878Met). This variant is not present in population databases (gnomAD no frequency). This variant has not been reported in the literature in individuals affected with DEPDC5-related conditions. ClinVar contains an entry for this variant (Variation ID: 3621220). Experimental studies and prediction algorithms are not available or were not evaluated, and the functional significance of this variant is currently unknown. In summary, the available evidence is currently insufficient to determine the role of this variant in disease. Therefore, it has been classified as a Variant of Uncertain Significance.